The following is an entry in ClinVar:

ClinVar aggregate classification (germline): Uncertain significance. Review status: criteria provided, multiple submitters, no conflicts (2 of 4 stars). 2 submissions from 2 submitters: Uncertain significance (2). Last evaluated 2024-03-21.

Conditions:
Inborn genetic diseases. Identifiers: MedGen C0950123, MeSH D030342.
Spastic paraplegia. Identifiers: MedGen C0037772, HP:0001258.

Allele frequency attached by ClinVar (database versions not stated): TOPMed 0.00001; gnomAD exomes 0.00005.
gnomAD v4.1: 73 of 1,613,994 alleles (0.0045%); highest among the groups gnomAD compares: Non-Finnish European, 0.0062%; 1 homozygote.

Submissions (2):

Ambry Genetics
Classification: Uncertain significance for Inborn genetic diseases. Last evaluated: 2024-03-21. Review status: criteria provided, single submitter. Criteria: Ambry Variant Classification Scheme 2023. Collection method: clinical testing. Allele origin: germline.

Labcorp Genetics (formerly Invitae), Labcorp
Classification: Uncertain significance for Spastic paraplegia. Last evaluated: 2022-07-27. Review status: criteria provided, single submitter. Criteria: Invitae Variant Classification Sherloc (09022015). Collection method: clinical testing. Allele origin: germline.
Comment: This sequence change replaces serine, which is neutral and polar, with cysteine, which is neutral and slightly polar, at codon 308 of the CYP2U1 protein (p.Ser308Cys). This variant is not present in population databases (gnomAD no frequency). This variant has not been reported in the literature in individuals affected with CYP2U1-related conditions. Advanced modeling of protein sequence and biophysical properties (such as structural, functional, and spatial information, amino acid conservation, physicochemical variation, residue mobility, and thermodynamic stability) performed at Invitae indicates that this missense variant is not expected to disrupt CYP2U1 protein function. In summary, the available evidence is currently insufficient to determine the role of this variant in disease. Therefore, it has been classified as a Variant of Uncertain Significance.

NM_183075.3(CYP2U1):c.923C>G (p.Ser308Cys)

Gene: CYP2U1 (cytochrome P450 family 2 subfamily U member 1; plus strand). Cytogenetic location: 4q25.
Variant type: single nucleotide variant.
Coding change: c.923C>G on transcript NM_183075.3 (MANE Select); coding-DNA position 923, C replaced by G.
Protein change: p.Ser308Cys; replaces serine 308 with cysteine.
Molecular consequence: missense variant.
Genome position (GRCh38, 1-based): chr4:107,945,402, C>G. VCF-style: chr4-107945402-C-G. GRCh37 (hg19) VCF-style: chr4-108866558-C-G.
Other names: c.923C>G (NM_183075.2); short protein forms S308C.
Identifiers: ClinVar variation 2046982 (VCV002046982.2), dbSNP rs764450466, ClinGen allele CA102867297.